The following is an entry in ClinVar:

ClinVar aggregate classification (germline): Uncertain significance. Review status: criteria provided, multiple submitters, no conflicts (2 of 4 stars). 3 submissions from 3 submitters: Uncertain significance (3). Last evaluated 2024-01-18.

Conditions:
Inborn genetic diseases. Identifiers: MedGen C0950123, MeSH D030342.
Treacher Collins syndrome 1 (TCS1). Also called: TCOF1-Related Treacher Collins Syndrome. Identifiers: Orphanet 861, MedGen CN315775, MONDO:0007944, OMIM 154500.

Allele frequency attached by ClinVar (database versions not stated): ExAC 0.00009; TOPMed 0.00009; gnomAD exomes 0.00010 and 0.00015; gnomAD 0.00012.

Submissions (3):

Labcorp Genetics (formerly Invitae), Labcorp
Classification: Uncertain significance for Treacher Collins syndrome 1. Last evaluated: 2024-01-18. Review status: criteria provided, single submitter. Criteria: Invitae Variant Classification Sherloc (09022015). Collection method: clinical testing. Allele origin: germline.
Comment: This sequence change replaces glutamic acid, which is acidic and polar, with lysine, which is basic and polar, at codon 97 of the TCOF1 protein (p.Glu97Lys). This variant is present in population databases (rs200561413, gnomAD 0.03%). This variant has not been reported in the literature in individuals affected with TCOF1-related conditions. ClinVar contains an entry for this variant (Variation ID: 1473576). Advanced modeling of protein sequence and biophysical properties (such as structural, functional, and spatial information, amino acid conservation, physicochemical variation, residue mobility, and thermodynamic stability) performed at Invitae indicates that this missense variant is not expected to disrupt TCOF1 protein function with a negative predictive value of 80%. In summary, the available evidence is currently insufficient to determine the role of this variant in disease. Therefore, it has been classified as a Variant of Uncertain Significance.

Ambry Genetics
Classification: Uncertain significance for Inborn genetic diseases. Last evaluated: 2022-11-10. Review status: criteria provided, single submitter. Criteria: Ambry Variant Classification Scheme 2023. Collection method: clinical testing. Allele origin: germline.

Fulgent Genetics
Classification: Uncertain significance for Treacher Collins syndrome 1. Last evaluated: 2022-03-09. Review status: criteria provided, single submitter. Criteria: ACMG Guidelines, 2015. Collection method: clinical testing. Allele origin: unknown.

NM_001371623.1(TCOF1):c.289G>A (p.Glu97Lys)

Gene: TCOF1 (treacle ribosome biogenesis factor 1; plus strand). Cytogenetic location: 5q32.
Variant type: single nucleotide variant.
Coding change: c.289G>A on transcript NM_001371623.1 (MANE Select); coding-DNA position 289, G replaced by A.
Protein change: p.Glu97Lys; replaces glutamic acid 97 with lysine.
Molecular consequence: missense variant.
Genome position (GRCh38, 1-based): chr5:150,364,237, G>A. VCF-style: chr5-150364237-G-A. GRCh37 (hg19) VCF-style: chr5-149743800-G-A.
Other names: c.289G>A, p.Glu97Lys (NM_000356.4, NM_001008657.3, NM_001135243.2 and 3 more transcripts); short protein forms E97K.
Identifiers: ClinVar variation 1473576 (VCV001473576.10), dbSNP rs200561413, ClinGen allele CA3510507.